The following is an entry in ClinVar:

ClinVar aggregate classification (germline): Pathogenic. Review status: criteria provided, multiple submitters, no conflicts (2 of 4 stars). 2 submissions from 2 submitters: Pathogenic (2). Last evaluated 2025-09-26.

Conditions:
CFI-related disorder. Also called: CFI-related condition; CFI-related disorders. Identifiers: MedGen CN239325.

Allele frequency attached by ClinVar (database versions not stated): gnomAD exomes below 0.00001.
gnomAD v4.1: 1 of 1,614,164 alleles (0.000062%); highest among the groups gnomAD compares: South Asian, 0.0011%; no homozygotes.

Submissions (2):

Genomenon, Inc
Classification: Pathogenic for CFI-related disorder. Last evaluated: 2025-09-26. Review status: criteria provided, single submitter. Criteria: Genomenon Sequence Variant Interpretation Standards - Updated. Collection method: curation. Allele origin: germline. Affected: yes.
Comment: CFI p.Trp145Ter (c.434G>A) is a nonsense variant that introduces a premature stop codon at amino acid position 145, creating a truncated protein that is predicted to undergo nonsense-mediated mRNA decay. This variant has been observed in at least one proband affected with a CFI-related disorder (PMID:15917334;32510551). At least one functional study has demonstrated a substantial alteration in protein function relative to the wild-type (PMID:32510551;19877009). It is absent or not present at a significant frequency in gnomAD. In conclusion, we classify CFI p.Trp145Ter (c.434G>A) as a pathogenic variant.

Labcorp Genetics (formerly Invitae), Labcorp
Classification: Pathogenic. Last evaluated: 2022-02-22. Review status: criteria provided, single submitter. Criteria: Invitae Variant Classification Sherloc (09022015). Collection method: clinical testing. Allele origin: germline.
Comment: For these reasons, this variant has been classified as Pathogenic. Algorithms developed to predict the effect of sequence changes on RNA splicing suggest that this variant may disrupt the consensus splice site. This variant is also known as c.463G>A (p.W127X). This premature translational stop signal has been observed in individual(s) with atypical hemolytic uremic syndrome (PMID: 15917334). This variant is not present in population databases (gnomAD no frequency). This sequence change creates a premature translational stop signal (p.Trp145*) in the CFI gene. It is expected to result in an absent or disrupted protein product. Loss-of-function variants in CFI are known to be pathogenic (PMID: 15917334, 16621965, 19065647, 20016463, 22710145).

Literature cited by the submitters: PubMed 15917334 (cited by Genomenon, Inc and Labcorp Genetics (formerly Invitae), Labcorp); 32510551 (cited by Genomenon, Inc); 19877009 (cited by Genomenon, Inc); PubMed 16621965 (cited by Labcorp Genetics (formerly Invitae), Labcorp); PubMed 19065647 (cited by Labcorp Genetics (formerly Invitae), Labcorp); PubMed 20016463 (cited by Labcorp Genetics (formerly Invitae), Labcorp); PubMed 22710145 (cited by Labcorp Genetics (formerly Invitae), Labcorp).

NM_000204.5(CFI):c.434G>A (p.Trp145Ter)

Gene: CFI (complement factor I; minus strand). Cytogenetic location: 4q25.
Variant type: single nucleotide variant.
Coding change: c.434G>A on transcript NM_000204.5 (MANE Select); coding-DNA position 434, G replaced by A.
Protein change: p.Trp145Ter; replaces tryptophan 145 with a stop codon.
Molecular consequence: nonsense. On other transcripts: non-coding transcript variant (3), intron variant (1).
Genome position (GRCh38, 1-based): chr4:109,764,585, C>T on the plus strand (G>A on the coding strand, the complement: CFI is on the minus strand). VCF-style: chr4-109764585-C-T. GRCh37 (hg19) VCF-style: chr4-110685741-C-T.
Other names: c.434G>A, p.Trp145Ter (NM_001318057.2, NM_001331035.2, NM_001375278.1 and 5 more transcripts); c.-127-2893G>A (NM_001375284.1); short protein forms W145*.
Identifiers: ClinVar variation 2203565 (VCV002203565.5), dbSNP rs1478645822, ClinGen allele CA357863868.